The following is an entry in ClinVar:

ClinVar aggregate classification (germline): Uncertain significance (1 of 4 stars; one submission).

Conditions:
Lethal congenital glycogen storage disease of heart. Also called: GLYCOGEN STORAGE DISEASE OF HEART; PHOSPHORYLASE KINASE DEFICIENCY OF HEART. Identifiers: Orphanet 439854, MedGen C1849813, MONDO:0009867, OMIM 261740.

Submission:

Labcorp Genetics (formerly Invitae), Labcorp
Classification: Uncertain significance for Lethal congenital glycogen storage disease of heart. Last evaluated: 2017-10-10. Review status: criteria provided, single submitter. Criteria: Invitae Variant Classification Sherloc (09022015). Collection method: clinical testing. Allele origin: germline.
Comment: This sequence change replaces leucine with valine at codon 354 of the PRKAG2 protein (p.Leu354Val). The leucine residue is highly conserved and there is a small physicochemical difference between leucine and valine. This variant is not present in population databases (ExAC no frequency). This variant has not been reported in the literature in individuals with PRKAG2-related disease. Algorithms developed to predict the effect of missense changes on protein structure and function do not agree on the potential impact of this missense change (SIFT: "Deleterious"; PolyPhen-2: "Benign"; Align-GVGD: "Class C25"). In summary, the available evidence is currently insufficient to determine the role of this variant in disease. Therefore, it has been classified as a Variant of Uncertain Significance.

NM_016203.4(PRKAG2):c.1060T>G (p.Leu354Val)

Gene: PRKAG2 (protein kinase AMP-activated non-catalytic subunit gamma 2; minus strand). Cytogenetic location: 7q36.1.
Variant type: single nucleotide variant.
Coding change: c.1060T>G on transcript NM_016203.4 (MANE Select); coding-DNA position 1060, T replaced by G.
Protein change: p.Leu354Val; replaces leucine 354 with valine.
Molecular consequence: missense variant.
Genome position (GRCh38, 1-based): chr7:151,570,217, A>C on the plus strand (T>G on the coding strand, the complement: PRKAG2 is on the minus strand). VCF-style: chr7-151570217-A-C. GRCh37 (hg19) VCF-style: chr7-151267303-A-C.
Other names: c.928T>G, p.Leu310Val (NM_001040633.2); c.685T>G, p.Leu229Val (NM_001304527.2); c.337T>G, p.Leu113Val (NM_001304531.2, NM_024429.2); c.688T>G, p.Leu230Val (NM_001363698.2); short protein forms L354V, L113V, L310V, L230V, L229V.
Identifiers: ClinVar variation 533873 (VCV000533873.8), dbSNP rs1554459423, ClinGen allele CA370071806.